The following is an entry in ClinVar:

ClinVar aggregate classification (germline): Pathogenic/Likely pathogenic. Review status: criteria provided, multiple submitters, no conflicts (2 of 4 stars). 4 submissions from 4 submitters: Pathogenic (2); Likely pathogenic (1). 1 of the submissions does not count toward it. Last evaluated 2025-09-30.

Conditions:
Neurodevelopmental disorder with hypotonia, stereotypic hand movements, and impaired language. Also called: Intellectual disability, autosomal dominant 20. Identifiers: Orphanet 228384, Orphanet 664410, MedGen C3150700, MONDO:0013266, OMIM 613443.
Autism spectrum disorder. Also called: Autism spectrum disorders. Identifiers: MedGen C1510586, MeSH D000067877, MONDO:0005258.

Submissions (4):

Victorian Clinical Genetics Services, Murdoch Childrens Research Institute
Classification: Pathogenic for Neurodevelopmental disorder with hypotonia, stereotypic hand movements, and impaired language. Last evaluated: 2025-09-30. Review status: criteria provided, single submitter. Criteria: ACMG Guidelines, 2015. Collection method: clinical testing. Allele origin: germline. Affected: yes.
Comment: This variant is classified as Pathogenic. Evidence in support of pathogenic classification: Variant is absent from gnomAD (v2, v3 and v4); This variant has moderate previous evidence of pathogenicity in unrelated individual(s). This variant has been classified as likely pathogenic or pathogenic by clinical laboratories in ClinVar. It has also been reported in the literature as de novo in large neurodevelopmental or autism cohorts (PMID: 35468861, 30504930). This variant has also been reported as being present in three affected members of one family with congenital heart disease (PMID: 29468350); Other missense variant(s) comparable to the one identified in this case have strong previous evidence for pathogenicity. p.(Arg15His) has been classified as likely pathogenic/pathogenic by multiple clinical laboratories in ClinVar, in addition to a VUS entry. Additionally, p.(Arg15Pro) has been classified as pathogenic by multiple clinical laboratories in ClinVar. - Variant is located in a hotspot region or cluster of PATHOGENIC variants (DECIPHER); Missense variant predicted to be damaging by in silico tool(s) or highly conserved with a major amino acid change; Additional information: Variant is predicted to result in a missense amino acid change from Arg to Cys; This variant is heterozygous; This gene is associated with autosomal dominant disease; Loss of function is a known mechanism of disease in this gene and is associated with neurodevelopmental disorder with hypotonia, stereotypic hand movements, and impaired language (MIM#613443).

Labcorp Genetics (formerly Invitae), Labcorp
Classification: Likely pathogenic for Neurodevelopmental disorder with hypotonia, stereotypic hand movements, and impaired language. Last evaluated: 2024-06-10. Review status: criteria provided, single submitter. Criteria: Invitae Variant Classification Sherloc (09022015). Collection method: clinical testing. Allele origin: germline.
Comment: This sequence change replaces arginine, which is basic and polar, with cysteine, which is neutral and slightly polar, at codon 15 of the MEF2C protein (p.Arg15Cys). This variant is not present in population databases (gnomAD no frequency). This missense change has been observed in individual(s) with clinical features of MEF2C-related conditions (PMID: 26633542, 29468350, 30504930, 33057194, 33994118). ClinVar contains an entry for this variant (Variation ID: 206129). Advanced modeling of protein sequence and biophysical properties (such as structural, functional, and spatial information, amino acid conservation, physicochemical variation, residue mobility, and thermodynamic stability) performed at Invitae indicates that this missense variant is expected to disrupt MEF2C protein function with a positive predictive value of 95%. This variant disrupts the p.Arg15 amino acid residue in MEF2C. Other variant(s) that disrupt this residue have been determined to be pathogenic (PMID: 34055696). This suggests that this residue is clinically significant, and that variants that disrupt this residue are likely to be disease-causing. In summary, the currently available evidence indicates that the variant is pathogenic, but additional data are needed to prove that conclusively. Therefore, this variant has been classified as Likely Pathogenic.

GeneDx
Classification: Pathogenic. Last evaluated: 2022-05-16. Review status: criteria provided, single submitter. Criteria: GeneDx Variant Classification Process June 2021. Collection method: clinical testing. Allele origin: germline. Affected: yes.
Comment: Not observed in large population cohorts (gnomAD); In silico analysis supports that this missense variant has a deleterious effect on protein structure/function; This variant is associated with the following publications: (PMID: 26633542, 29468350, 29655203, 30504930, 33994118)

University of Washington Center for Mendelian Genomics, University of Washington
Classification: Likely pathogenic for Autism spectrum disorder. Review status: no assertion criteria provided. Collection method: research. Allele origin: de novo. Affected: yes. Not counted in ClinVar's aggregate classification.

Literature cited by the submitters: PubMed 29468350 (cited by Victorian Clinical Genetics Services, Murdoch Childrens Research Institute and Labcorp Genetics (formerly Invitae), Labcorp); PubMed 35468861 (cited by Victorian Clinical Genetics Services, Murdoch Childrens Research Institute); PubMed 30504930 (cited by 3 submitters); PubMed 26633542 (cited by Labcorp Genetics (formerly Invitae), Labcorp); PubMed 33057194 (cited by Labcorp Genetics (formerly Invitae), Labcorp); PubMed 33994118 (cited by Labcorp Genetics (formerly Invitae), Labcorp); PubMed 34055696 (cited by Labcorp Genetics (formerly Invitae), Labcorp).

NM_002397.5(MEF2C):c.43C>T (p.Arg15Cys)

Gene: MEF2C (myocyte enhancer factor 2C; minus strand). Cytogenetic location: 5q14.3.
Variant type: single nucleotide variant.
Coding change: c.43C>T on transcript NM_002397.5 (MANE Select); coding-DNA position 43, C replaced by T.
Protein change: p.Arg15Cys; replaces arginine 15 with cysteine.
Molecular consequence: missense variant.
Genome position (GRCh38, 1-based): chr5:88,823,746, G>A on the plus strand (C>T on the coding strand, the complement: MEF2C is on the minus strand). VCF-style: chr5-88823746-G-A. GRCh37 (hg19) VCF-style: chr5-88119563-G-A.
Other names: p.R15C:CGT>TGT; c.43C>T, p.Arg15Cys (NM_001193348.1, NM_001131005.2, NM_001193347.1 and 29 more transcripts); short protein forms R15C.
Identifiers: ClinVar variation 206129 (VCV000206129.14), dbSNP rs796052728, ClinGen allele CA315916.